The following is an entry in ClinVar:

ClinVar aggregate classification (germline): Benign. Review status: criteria provided, multiple submitters, no conflicts (2 of 4 stars). 3 submissions from 3 submitters: Benign (2). 1 of the submissions does not count toward it. Last evaluated 2018-07-14.

Conditions:
FLG-related disorder. Also called: FLG-related condition; FLG-related disorders.

Allele frequency attached by ClinVar (database versions not stated): ESP Exome Variant Server 0.00031; 1000 Genomes Project 0.00319; gnomAD 0.00338; 1000 Genomes Project 30x 0.00359; TOPMed 0.00744.
gnomAD v4.1: 3,528 of 1,613,072 alleles (0.22%); highest among the groups gnomAD compares: Admixed American, 5.5%; 152 homozygotes.

Submissions (3):

GeneDx
Classification: Benign. Last evaluated: 2018-07-14. Review status: criteria provided, single submitter. Criteria: GeneDx Variant Classification Process June 2021. Collection method: clinical testing. Allele origin: germline. Affected: yes.

Breakthrough Genomics
Classification: Benign. Review status: criteria provided, single submitter. Criteria: ACMG Guidelines, 2015. Collection method: not provided. Allele origin: germline. Inheritance: Autosomal dominant inheritance. Affected: yes.

PreventionGenetics, part of Exact Sciences
Classification: Benign for FLG-related condition. Last evaluated: 2023-06-14. Review status: no assertion criteria provided. Collection method: clinical testing. Allele origin: germline. Not counted in ClinVar's aggregate classification.
Comment: This variant is classified as benign based on ACMG/AMP sequence variant interpretation guidelines (Richards et al. 2015 PMID: 25741868, with internal and published modifications).

NM_002016.2(FLG):c.2280G>C (p.Gln760His)

Genes: CCDST (cervical cancer associated DHX9 suppressive transcript; plus strand), FLG (filaggrin; minus strand). Cytogenetic location: 1q21.3.
Variant type: single nucleotide variant.
Coding change: c.2280G>C on transcript NM_002016.2 (MANE Select); coding-DNA position 2280, G replaced by C.
Protein change: p.Gln760His; replaces glutamine 760 with histidine.
Molecular consequence: missense variant.
Genome position (GRCh38, 1-based): chr1:152,312,606, C>G on the plus strand (G>C on the coding strand, the complement: FLG is on the minus strand). VCF-style: chr1-152312606-C-G. GRCh37 (hg19) VCF-style: chr1-152285082-C-G.
Other names: short protein forms Q760H.
Identifiers: ClinVar variation 1274506 (VCV001274506.4), dbSNP rs144821977, ClinGen allele CA1107254.
Genomic context (GRCh38, chr1:152,312,606, plus strand): 5'-ACGTGCGGACTCTTGGTGGCTCTGCTGATGGTGACCAGCCTGTCCATGGCCTGACACTGA[C>G]TGTGTGTCTGAGTCTTCTGAATGTCCCTCACTGTCAGTGGCCTGACTACCACTGGACCCT-3'
Protein context (NP_002007.1, residues 750-770): SEGHSEDSDT[Gln760His]SVSGHGQAGH